The following is an entry in ClinVar:

NM_052813.5(CARD9):c.508G>A (p.Ala170Thr)

Gene: CARD9 (caspase recruitment domain family member 9; minus strand). Cytogenetic location: 9q34.3.
Variant type: single nucleotide variant.
Coding change: c.508G>A on transcript NM_052813.5 (MANE Select); coding-DNA position 508, G replaced by A.
Protein change: p.Ala170Thr; replaces alanine 170 with threonine.
Molecular consequence: missense variant.
Genome position (GRCh38, 1-based): chr9:136,370,960, C>T on the plus strand (G>A on the coding strand, the complement: CARD9 is on the minus strand). VCF-style: chr9-136370960-C-T. GRCh37 (hg19) VCF-style: chr9-139265412-C-T.
Other names: c.508G>A, p.Ala170Thr (NM_052814.4); short protein forms A170T.
Identifiers: ClinVar variation 365851 (VCV000365851.16), dbSNP rs112244317, ClinGen allele CA5333117.

ClinVar aggregate classification (germline): Likely benign. Review status: criteria provided, multiple submitters, no conflicts (2 of 4 stars). 3 submissions from 3 submitters: Likely benign (3). Last evaluated 2026-01-12.

Conditions:
Predisposition to invasive fungal disease due to CARD9 deficiency (IMD103). Also called: CARD9 IMMUNODEFICIENCY; IMMUNODEFICIENCY 103, SUSCEPTIBILITY TO FUNGAL INFECTIONS; Candidiasis, familial, 2, autosomal recessive. Identifiers: Orphanet 457088, MedGen C1859353, MONDO:0008905, OMIM 212050.

Allele frequency attached by ClinVar (database versions not stated): ExAC 0.00092; 1000 Genomes Project 30x 0.00156; gnomAD 0.00169; 1000 Genomes Project 0.00180; TOPMed 0.00189; ESP Exome Variant Server 0.00239.
gnomAD v4.1: 671 of 1,610,736 alleles (0.042%); highest among the groups gnomAD compares: African/African-American, 0.57%; 3 homozygotes.

Submissions (3):

Labcorp Genetics (formerly Invitae), Labcorp
Classification: Likely benign for Predisposition to invasive fungal disease due to CARD9 deficiency. Last evaluated: 2026-01-12. Review status: criteria provided, single submitter. Criteria: Invitae Variant Classification Sherloc (09022015). Collection method: clinical testing. Allele origin: germline.

Blueprint Genetics
Classification: Likely benign. Last evaluated: 2024-06-27. Review status: criteria provided, single submitter. Criteria: ACMG Guidelines, 2015. Collection method: clinical testing. Allele origin: germline.

Illumina Laboratory Services, Illumina
Classification: Likely benign for Predisposition to invasive fungal disease due to CARD9 deficiency. Last evaluated: 2018-01-13. Review status: criteria provided, single submitter. Criteria: ICSL Variant Classification Criteria 13 December 2019. Collection method: clinical testing. Allele origin: germline.
Comment: This variant was observed in the ICSL laboratory as part of a predisposition screen in an ostensibly healthy population. It had not been previously curated by ICSL or reported in the Human Gene Mutation Database (HGMD: prior to June 1st, 2018), and was therefore a candidate for classification through an automated scoring system. Utilizing variant allele frequency, disease prevalence and penetrance estimates, and inheritance mode, an automated score was calculated to assess if this variant is too frequent to cause the disease. Based on the score and internal cut-off values, a variant classified as likely benign is not then subjected to further curation. The score for this variant resulted in a classification of likely benign for this disease.